The following is an entry in ClinVar:

ClinVar aggregate classification (germline): Uncertain significance (1 of 4 stars; one submission).

Allele frequency attached by ClinVar (database versions not stated): 1000 Genomes Project 30x 0.00016.
gnomAD v4.1: 3 of 1,613,622 alleles (0.00019%); highest among the groups gnomAD compares: Admixed American, 0.005%; no homozygotes.

Submission:

Labcorp Genetics (formerly Invitae), Labcorp
Classification: Uncertain significance. Last evaluated: 2026-01-12. Review status: criteria provided, single submitter. Criteria: Invitae Variant Classification Sherloc (09022015). Collection method: clinical testing. Allele origin: germline.
Comment: This sequence change replaces valine, which is neutral and non-polar, with leucine, which is neutral and non-polar, at codon 488 of the FBN3 protein (p.Val488Leu). This variant is present in population databases (rs201458670, gnomAD 0.009%). This variant has not been reported in the literature in individuals affected with FBN3-related conditions. ClinVar contains an entry for this variant (Variation ID: 2716121). Invitae Evidence Modeling of protein sequence and biophysical properties (such as structural, functional, and spatial information, amino acid conservation, physicochemical variation, residue mobility, and thermodynamic stability) indicates that this missense variant is not expected to disrupt FBN3 protein function with a negative predictive value of 80%. In summary, the available evidence is currently insufficient to determine the role of this variant in disease. Therefore, it has been classified as a Variant of Uncertain Significance.

NM_032447.5(FBN3):c.1462G>C (p.Val488Leu)

Gene: FBN3 (fibrillin 3; minus strand). Cytogenetic location: 19p13.2.
Variant type: single nucleotide variant.
Coding change: c.1462G>C on transcript NM_032447.5 (MANE Select); coding-DNA position 1462, G replaced by C.
Protein change: p.Val488Leu; replaces valine 488 with leucine.
Molecular consequence: missense variant.
Genome position (GRCh38, 1-based): chr19:8,136,193, C>G on the plus strand (G>C on the coding strand, the complement: FBN3 is on the minus strand). VCF-style: chr19-8136193-C-G. GRCh37 (hg19) VCF-style: chr19-8201077-C-G.
Other names: c.1462G>C, p.Val488Leu (NM_001321431.2); short protein forms V488L.
Identifiers: ClinVar variation 2716121 (VCV002716121.3), dbSNP rs201458670, ClinGen allele CA9153328.